The following is an entry in ClinVar:

ClinVar aggregate classification (germline): Uncertain significance. Review status: criteria provided, multiple submitters, no conflicts (2 of 4 stars). 2 submissions from 2 submitters: Uncertain significance (2). Last evaluated 2025-03-30.

Conditions:
Inborn genetic diseases. Identifiers: MedGen C0950123, MeSH D030342.

Allele frequency attached by ClinVar (database versions not stated): gnomAD exomes 0.00004 and 0.00009; ExAC 0.00006; gnomAD 0.00006; TOPMed 0.00008.
gnomAD v4.1: 82 of 1,614,040 alleles (0.0051%); highest among the groups gnomAD compares: Non-Finnish European, 0.0021%; no homozygotes.

Submissions (2):

Labcorp Genetics (formerly Invitae), Labcorp
Classification: Uncertain significance. Last evaluated: 2025-03-30. Review status: criteria provided, single submitter. Criteria: Invitae Variant Classification Sherloc (09022015). Collection method: clinical testing. Allele origin: germline.
Comment: This sequence change replaces glutamine, which is neutral and polar, with arginine, which is basic and polar, at codon 489 of the MMP14 protein (p.Gln489Arg). This variant is present in population databases (rs202162126, gnomAD 0.2%), and has an allele count higher than expected for a pathogenic variant. This variant has not been reported in the literature in individuals affected with MMP14-related conditions. ClinVar contains an entry for this variant (Variation ID: 1461491). Invitae Evidence Modeling of protein sequence and biophysical properties (such as structural, functional, and spatial information, amino acid conservation, physicochemical variation, residue mobility, and thermodynamic stability) indicates that this missense variant is not expected to disrupt MMP14 protein function with a negative predictive value of 80%. In summary, the available evidence is currently insufficient to determine the role of this variant in disease. Therefore, it has been classified as a Variant of Uncertain Significance.

Ambry Genetics
Classification: Uncertain significance for Inborn genetic diseases. Last evaluated: 2022-08-29. Review status: criteria provided, single submitter. Criteria: Ambry Variant Classification Scheme 2023. Collection method: clinical testing. Allele origin: germline.

NM_004995.4(MMP14):c.1466A>G (p.Gln489Arg)

Gene: MMP14 (matrix metallopeptidase 14; plus strand). Cytogenetic location: 14q11.2.
Variant type: single nucleotide variant.
Coding change: c.1466A>G on transcript NM_004995.4 (MANE Select); coding-DNA position 1466, A replaced by G.
Protein change: p.Gln489Arg; replaces glutamine 489 with arginine.
Molecular consequence: missense variant.
Genome position (GRCh38, 1-based): chr14:22,845,756, A>G. VCF-style: chr14-22845756-A-G. GRCh37 (hg19) VCF-style: chr14-23314965-A-G.
Other names: c.1466A>G (NM_004995.2); short protein forms Q489R.
Identifiers: ClinVar variation 1461491 (VCV001461491.9), dbSNP rs202162126, ClinGen allele CA7105488.